The following continues an entry in ClinVar:

NM_000051.4(ATM):c.1888G>A (p.Val630Met)

Gene: ATM. ClinVar aggregate classification (germline): Conflicting classifications of pathogenicity. Uncertain significance (6); Likely benign (9).

Submissions 13 to 17 of 17:

Sema4
Classification: Uncertain significance for Hereditary cancer-predisposing syndrome. Last evaluated: 2022-01-15. Review status: criteria provided, single submitter. Criteria: Sema4 Curation Guidelines. Collection method: curation. Allele origin: germline.
Comment: The ATM c.1888G>A (p.V630M) variant has been reported in several individuals with breast cancer and in one individual with a personal/family history suggestive of a hereditary cancer syndrome (PMID: 33471991, 31159747, 31206626), but was also identified in healthy controls from breast cancer studies (PMID: 33471991, 30287823, 31206626). It was also reported in an individual with chronic lymphocytic leukemia, but it is unclear whether the variant is somatic or germline (PMID: 27468087). It was observed in 15/34474 chromosomes of the Latino subpopulation, with one homozygote, in the large and broad cohorts of the Genome Aggregation Database (PMID: 32461654). The variant has been reported in ClinVar (Variation ID 141251). Functional studies have not been performed, and in silico predictions of the variant's effect on protein function are inconclusive. The evidence is insufficient to meet ACMG/AMP criteria for classifying the variant as benign or pathogenic. Thus, the clinical significance of this variant is currently uncertain.

Genetic Services Laboratory, University of Chicago
Classification: Uncertain significance. Last evaluated: 2018-10-11. Review status: criteria provided, single submitter. Criteria: ACMG Guidelines, 2015. Collection method: clinical testing. Allele origin: germline. Affected: no.

GeneKor MSA
Classification: Uncertain significance for Hereditary cancer-predisposing syndrome. Last evaluated: 2018-08-01. Review status: criteria provided, single submitter. Criteria: ACMG Guidelines, 2015. Collection method: clinical testing. Allele origin: germline. Affected: no.

Institute for Biomarker Research, Medical Diagnostic Laboratories, L.L.C.
Classification: Uncertain significance for Hereditary cancer-predisposing syndrome. Last evaluated: 2021-09-15. Review status: no assertion criteria provided. Collection method: clinical testing. Allele origin: germline. Not counted in ClinVar's aggregate classification.

Department of Pathology and Laboratory Medicine, Sinai Health System
Classification: Uncertain significance for Malignant tumor of breast. Review status: no assertion criteria provided. Collection method: clinical testing. Allele origin: unknown. Affected: yes. Observed: 1 variant allele. Study: The Canadian Open Genetics Repository (COGR). Not counted in ClinVar's aggregate classification.
Comment: The ATM p.Val630Met variant was identified in 1 of 972 proband chromosomes (frequency: 0.001) from individuals or families with chronic lymphocytic leukemia (Jain 2016). The variant was also identified in dbSNP (ID: rs148191382) as "With Uncertain significance allele", and in ClinVar (classified as likely benign by Invitae; as uncertain significance by Ambry Genetics, GeneDx, Integrated Genetics/Laboratory Corporation of America) databases. The variant was not identified in GeneInsight-COGR, Cosmic, MutDB, or LOVD 3.0 databases. The variant was identified in control databases in 24 of 245222 chromosomes (1 homozygous) at a frequency of 0.0001 increasing the likelihood this could be a low frequency benign variant (Genome Aggregation Database Feb 27, 2017). The variant was observed in the following populations: Other in 1 of 5462 chromosomes (freq: 0.0002), Latino in 15 of 33478 chromosomes (freq: 0.0004), European in 6 of 111122 chromosomes (freq: 0.00005), East Asian in 1 of 17216 chromosomes (freq: 0.00006), and South Asian in 1 of 30672 chromosomes (freq: 0.00003), while the variant was not observed in the African, Ashkenazi Jewish, and Finnish populations. The p.Val630 residue is not conserved in mammals and four out of five computational analyses (PolyPhen-2, SIFT, AlignGVGD, BLOSUM, MutationTaster) do not suggest a high likelihood of impact to the protein; however, this information is not predictive enough to rule out pathogenicity. The variant occurs outside of the splicing consensus sequence and in silico or computational prediction software programs (SpliceSiteFinder, MaxEntScan, NNSPLICE, GeneSplicer) do not predict a difference in splicing. In summary, based on the above information the clinical significance of this variant cannot be determined with certainty at this time. This variant is classified as a variant of uncertain significance.

Literature cited by the submitters: PubMed 30287823 (cited by 3 submitters); PubMed 31206626 (cited by 3 submitters); PubMed 32885271 (cited by Ambry Genetics); PubMed 28652578 (cited by Women's Health and Genetics/Laboratory Corporation of America, LabCorp); PubMed 31159747 (cited by Women's Health and Genetics/Laboratory Corporation of America, LabCorp and Sema4); PubMed 27468087 (cited by Women's Health and Genetics/Laboratory Corporation of America, LabCorp and Sema4); PubMed 33471991 (cited by Women's Health and Genetics/Laboratory Corporation of America, LabCorp and Sema4); PubMed 36243179 (cited by Women's Health and Genetics/Laboratory Corporation of America, LabCorp); PubMed 25085752 (cited by Myriad Genetics, Inc.).